The following is an entry in ClinVar:

ClinVar aggregate classification (germline): Uncertain significance (1 of 4 stars; one submission).

Conditions:
Idiopathic generalized epilepsy. Also called: Generalised epilepsy; EIG. Identifiers: MedGen C0270850, MONDO:0005579, OMIM 600669.
Hyperaldosteronism, familial, type IV (HALD4). Also called: FH IV; ALDOSTERONISM, PRIMARY, AND HYPERTENSION. Identifiers: MONDO:0014875, OMIM 617027, Orphanet 642671, MedGen C4310756.

Submission:

Labcorp Genetics (formerly Invitae), Labcorp
Classification: Uncertain significance for Idiopathic generalized epilepsy; Hyperaldosteronism, familial, type IV. Last evaluated: 2022-03-23. Review status: criteria provided, single submitter. Criteria: Invitae Variant Classification Sherloc (09022015). Collection method: clinical testing. Allele origin: germline.
Comment: In summary, the available evidence is currently insufficient to determine the role of this variant in disease. Therefore, it has been classified as a Variant of Uncertain Significance. Advanced modeling of protein sequence and biophysical properties (such as structural, functional, and spatial information, amino acid conservation, physicochemical variation, residue mobility, and thermodynamic stability) performed at Invitae indicates that this missense variant is not expected to disrupt CACNA1H protein function. ClinVar contains an entry for this variant (Variation ID: 937785). This variant has not been reported in the literature in individuals affected with CACNA1H-related conditions. This variant is not present in population databases (gnomAD no frequency). This sequence change replaces isoleucine, which is neutral and non-polar, with phenylalanine, which is neutral and non-polar, at codon 135 of the CACNA1H protein (p.Ile135Phe).

NM_021098.3(CACNA1H):c.403A>T (p.Ile135Phe)

Gene: CACNA1H (calcium voltage-gated channel subunit alpha1 H; plus strand). Cytogenetic location: 16p13.3.
Variant type: single nucleotide variant.
Coding change: c.403A>T on transcript NM_021098.3 (MANE Select); coding-DNA position 403, A replaced by T.
Protein change: p.Ile135Phe; replaces isoleucine 135 with phenylalanine.
Molecular consequence: missense variant.
Genome position (GRCh38, 1-based): chr16:1,195,075, A>T. VCF-style: chr16-1195075-A-T. GRCh37 (hg19) VCF-style: chr16-1245075-A-T.
Other names: c.403A>T, p.Ile135Phe (NM_001005407.2); short protein forms I135F.
Identifiers: ClinVar variation 937785 (VCV000937785.9), dbSNP rs1184282257, ClinGen allele CA394152239.
Genomic context (GRCh38, chr16:1,195,075, plus strand): 5'-GTGACCCTGGGCATGTTCCGGCCCTGTGAGGACGTTGAGTGCGGCTCCGAGCGCTGCAAC[A>T]TCCTGGAGGTGAGGGGCGTGGGTCGGGGTGGGGAAGGAGCGTGGGTCGCTACGAGGTTTA-3'
Protein context (NP_066921.2, residues 125-145): DVECGSERCN[Ile135Phe]LEAFDAFIFA